The following is an entry in ClinVar:

ClinVar aggregate classification (germline): Pathogenic (1 of 4 stars; one submission).

Conditions:
Waardenburg syndrome type 4C (WS4C). Also called: WAARDENBURG SYNDROME WITH HIRSCHSPRUNG DISEASE, TYPE 4C. Identifiers: Orphanet 897, MedGen C2750452, MONDO:0013202, OMIM 613266.

Submission:

Institute of Rare Diseases, West China Hospital, Sichuan University
Classification: Pathogenic for Waardenburg syndrome type 4C. Last evaluated: 2025-01-09. Review status: criteria provided, single submitter. Criteria: ClinGen HL ACMG Specifications v1. Collection method: research. Allele origin: germline. Affected: yes.
Comment: PM1;PVS1;PP4;PM2_Supporting

NM_006941.4(SOX10):c.802A>T (p.Lys268Ter)

Genes: POLR2F (RNA polymerase II, I and III subunit F; plus strand), SOX10 (SRY-box transcription factor 10; minus strand). Cytogenetic location: 22q13.1.
Variant type: single nucleotide variant.
Coding change: c.802A>T on transcript NM_006941.4 (MANE Select); coding-DNA position 802, A replaced by T.
Protein change: p.Lys268Ter; replaces lysine 268 with a stop codon.
Molecular consequence: nonsense. On other transcripts: intron variant (3).
Genome position (GRCh38, 1-based): chr22:37,974,094, T>A on the plus strand (A>T on the coding strand, the complement: SOX10 is on the minus strand). VCF-style: chr22-37974094-T-A. GRCh37 (hg19) VCF-style: chr22-38370101-T-A.
Other names: c.*38+1784T>A (NM_001363825.1); c.293+6924T>A (NM_001301130.2, NM_001301131.2); short protein forms K268*.
Identifiers: ClinVar variation 3601858 (VCV003601858.1).